The following is an entry in ClinVar:

ClinVar aggregate classification (germline): Uncertain significance (1 of 4 stars; one submission).

Conditions:
Neuropathy, hereditary sensory and autonomic, type 2A (HSAN2A). Also called: HSAN IIA; WNK1-Related HSAN2 (HSAN2A); MORVAN DISEASE; NEUROPATHY, CONGENITAL SENSORY; NEUROPATHY, HEREDITARY SENSORY RADICULAR, AUTOSOMAL RECESSIVE; NEUROPATHY, HEREDITARY SENSORY, TYPE IIA. Identifiers: Orphanet 970, MedGen C2752089, MONDO:0024309, OMIM 201300.
Pseudohypoaldosteronism type 2C (PHA2C). Also called: Pseudohypoaldosteronism Type IIC. Identifiers: Orphanet 757, Orphanet 88940, MedGen C1840391, MONDO:0013778, OMIM 614492.

gnomAD v4.1: 1 of 1,614,178 alleles (0.000062%); no homozygotes.

Submission:

Labcorp Genetics (formerly Invitae), Labcorp
Classification: Uncertain significance for Neuropathy, hereditary sensory and autonomic, type 2A; Pseudohypoaldosteronism type 2C. Last evaluated: 2017-12-10. Review status: criteria provided, single submitter. Criteria: Invitae Variant Classification Sherloc (09022015). Collection method: clinical testing. Allele origin: germline.
Comment: In summary, the available evidence is currently insufficient to determine the role of this variant in disease. Therefore, it has been classified as a Variant of Uncertain Significance. Algorithms developed to predict the effect of missense changes on protein structure and function do not agree on the potential impact of this missense change (SIFT: "Deleterious"; PolyPhen-2: "Possibly Damaging"; Align-GVGD: "Class C15"). This variant has not been reported in the literature in individuals with WNK1-related disease. This variant is not present in population databases (ExAC no frequency). This sequence change replaces threonine with isoleucine at codon 1950 of the WNK1 protein (p.Thr1950Ile). The threonine residue is highly conserved and there is a moderate physicochemical difference between threonine and isoleucine.

NM_018979.4(WNK1):c.5849C>T (p.Thr1950Ile)

Gene: WNK1 (WNK lysine deficient protein kinase 1; plus strand). Cytogenetic location: 12p13.33.
Variant type: single nucleotide variant.
Coding change: c.5849C>T on transcript NM_018979.4 (MANE Select); coding-DNA position 5849, C replaced by T.
Protein change: p.Thr1950Ile; replaces threonine 1950 with isoleucine.
Molecular consequence: missense variant.
Genome position (GRCh38, 1-based): chr12:896,336, C>T. VCF-style: chr12-896336-C-T. GRCh37 (hg19) VCF-style: chr12-1005502-C-T.
Other names: c.6629C>T, p.Thr2210Ile (NM_001184985.2); c.5105C>T, p.Thr1702Ile (NM_014823.3); c.6605C>T, p.Thr2202Ile (NM_213655.5); short protein forms T1950I, T2202I, T1702I, T2210I.
Identifiers: ClinVar variation 538514 (VCV000538514.8), dbSNP rs1555157875, ClinGen allele CA383335468.
Genomic context (GRCh38, chr12:896,336, plus strand): 5'-CCTCAGAGGCAAAGTCAGACACTGGGCAGCCTACCAAGGTTGGACGTTTTCAGGTGACAA[C>T]TACAGCAAACAAAGTGGGTCGTTTCTCTGTATCAAAAACTGAGGACAAGATCACTGACAC-3'
Protein context (NP_061852.3, residues 1940-1960): PTKVGRFQVT[Thr1950Ile]TANKVGRFSV